The following is an entry in ClinVar:

ClinVar aggregate classification (germline): Uncertain significance (1 of 4 stars; one submission).

Conditions:
Epileptic encephalopathy. Identifiers: MedGen C0543888, HP:0200134.

Allele frequency attached by ClinVar (database versions not stated): gnomAD exomes below 0.00001; ExAC 0.00001; gnomAD 0.00001; TOPMed 0.00002; ESP Exome Variant Server 0.00008.

Submission:

Labcorp Genetics (formerly Invitae), Labcorp
Classification: Uncertain significance for Epileptic encephalopathy. Last evaluated: 2023-12-16. Review status: criteria provided, single submitter. Criteria: Invitae Variant Classification Sherloc (09022015). Collection method: clinical testing. Allele origin: germline.
Comment: This sequence change replaces lysine, which is basic and polar, with asparagine, which is neutral and polar, at codon 1827 of the FASN protein (p.Lys1827Asn). This variant is present in population databases (rs375148275, gnomAD 0.007%). This variant has not been reported in the literature in individuals affected with FASN-related conditions. An algorithm developed to predict the effect of missense changes on protein structure and function (PolyPhen-2) suggests that this variant is likely to be tolerated. In summary, the available evidence is currently insufficient to determine the role of this variant in disease. Therefore, it has been classified as a Variant of Uncertain Significance.

NM_004104.5(FASN):c.5481G>T (p.Lys1827Asn)

Gene: FASN (fatty acid synthase; minus strand). Cytogenetic location: 17q25.3.
Variant type: single nucleotide variant.
Coding change: c.5481G>T on transcript NM_004104.5 (MANE Select); coding-DNA position 5481, G replaced by T.
Protein change: p.Lys1827Asn; replaces lysine 1827 with asparagine.
Molecular consequence: missense variant.
Genome position (GRCh38, 1-based): chr17:82,083,286, C>A on the plus strand (G>T on the coding strand, the complement: FASN is on the minus strand). VCF-style: chr17-82083286-C-A. GRCh37 (hg19) VCF-style: chr17-80041162-C-A.
Other names: short protein forms K1827N.
Identifiers: ClinVar variation 2732182 (VCV002732182.3), dbSNP rs375148275, ClinGen allele CA8851674.
Genomic context (GRCh38, chr17:82,083,286, plus strand): 5'-CTTCCCTTGGGCCATGTAGCGGAAGGCGTCCTCCACCTGGGCCCCATGGAACACCGTGCA[C>A]TTGAGGGGCCGTACCACCCCATCCCGGATGCCGGCCTGCACAAGCGCCCACACCTCCCGC-3'
Protein context (NP_004095.4, residues 1817-1837): GIRDGVVRPL[Lys1827Asn]CTVFHGAQVE